The following is an entry in ClinVar:

NM_015072.5(TTLL5):c.630C>A (p.Tyr210Ter)

Gene: TTLL5 (tubulin tyrosine ligase like 5; plus strand). Cytogenetic location: 14q24.3.
Variant type: single nucleotide variant.
Coding change: c.630C>A on transcript NM_015072.5 (MANE Select); coding-DNA position 630, C replaced by A.
Protein change: p.Tyr210Ter; replaces tyrosine 210 with a stop codon.
Molecular consequence: nonsense.
Genome position (GRCh38, 1-based): chr14:75,707,062, C>A. VCF-style: chr14-75707062-C-A. GRCh37 (hg19) VCF-style: chr14-76173405-C-A.
Other names: short protein forms Y210*.
Identifiers: ClinVar variation 813099 (VCV000813099.47), dbSNP rs745934202, ClinGen allele CA390456708.

ClinVar aggregate classification (germline): Pathogenic/Likely pathogenic. Review status: criteria provided, multiple submitters, no conflicts (2 of 4 stars). 6 submissions from 6 submitters: Pathogenic (5); Likely pathogenic (1). Last evaluated 2024-02-01.

Conditions:
Retinitis pigmentosa (RP). Identifiers: Orphanet 791, MedGen C0035334, MeSH D012174, MONDO:0019200, OMIM 268000. Inheritance: Autosomal dominant, autosomal recessive and X linked inheritance.
TTLL5-related disorder. Also called: TTLL5-related condition.
Cone-rod dystrophy 19 (CORD19). Identifiers: Orphanet 1872, MedGen C4014501, MONDO:0014372, OMIM 615860.

gnomAD v4.1: 3 of 1,612,816 alleles (0.00019%); highest among the groups gnomAD compares: Non-Finnish European, 0.00025%; no homozygotes.

Submissions (6):

GeneDx
Classification: Pathogenic. Last evaluated: 2024-02-01. Review status: criteria provided, single submitter. Criteria: GeneDx Variant Classification Process June 2021. Collection method: clinical testing. Allele origin: germline. Affected: yes.
Comment: Nonsense variant predicted to result in protein truncation or nonsense mediated decay in a gene for which loss of function is a known mechanism of disease; Not observed at significant frequency in large population cohorts (gnomAD); This variant is associated with the following publications: (PMID: 32531858)

Labcorp Genetics (formerly Invitae), Labcorp
Classification: Pathogenic. Last evaluated: 2022-12-18. Review status: criteria provided, single submitter. Criteria: Invitae Variant Classification Sherloc (09022015). Collection method: clinical testing. Allele origin: germline.
Comment: For these reasons, this variant has been classified as Pathogenic. Algorithms developed to predict the effect of sequence changes on RNA splicing suggest that this variant may disrupt the consensus splice site. ClinVar contains an entry for this variant (Variation ID: 813099). This premature translational stop signal has been observed in individual(s) with retinitis pigmentosa (PMID: 32531858). This variant is not present in population databases (gnomAD no frequency). This sequence change creates a premature translational stop signal (p.Tyr210*) in the TTLL5 gene. It is expected to result in an absent or disrupted protein product. Loss-of-function variants in TTLL5 are known to be pathogenic (PMID: 24791901, 27162334).

Molecular Genetics Laboratory, Institute for Ophthalmic Research
Classification: Pathogenic for Retinitis pigmentosa. Last evaluated: 2020-01-09. Review status: criteria provided, single submitter. Criteria: ACMG Guidelines, 2015. Collection method: research. Allele origin: germline. Affected: yes.

Blueprint Genetics
Classification: Likely pathogenic for TTLL5-related disorders. Last evaluated: 2018-12-31. Review status: criteria provided, single submitter. Criteria: ACMG Guidelines, 2015. Collection method: clinical testing. Allele origin: germline. Affected: yes. Observed: 1 variant allele.

CeGaT Center for Human Genetics Tuebingen
Classification: Pathogenic. Last evaluated: 2018-06-01. Review status: criteria provided, single submitter. Criteria: CeGaT Center For Human Genetics Tuebingen Variant Classification Criteria Version 2. Collection method: clinical testing. Allele origin: germline. Affected: yes. Observed: 1 variant allele.

Juno Genomics, Hangzhou Juno Genomics, Inc
Classification: Pathogenic for Cone-rod dystrophy 19. Review status: criteria provided, single submitter. Criteria: ACMG Guidelines, 2015. Collection method: clinical testing. Allele origin: germline.
Comment: Absent from controls (or at extremely low frequency if recessive) in Genome Aggregation Database.;Null variant in a gene where loss of function (LOF) is a known mechanism of disease.;For recessive disorders, detected in trans with a pathogenic variant.

Literature cited by the submitters: PubMed 32531858 (cited by Labcorp Genetics (formerly Invitae), Labcorp); PubMed 24791901 (cited by Labcorp Genetics (formerly Invitae), Labcorp); PubMed 27162334 (cited by Labcorp Genetics (formerly Invitae), Labcorp).